The following is an entry in ClinVar:

NM_212482.4(FN1):c.7076G>T (p.Gly2359Val)

Genes: ATIC (5-aminoimidazole-4-carboxamide ribonucleotide formyltransferase/IMP cyclohydrolase; plus strand), FN1 (fibronectin 1; minus strand). Cytogenetic location: 2q35.
Variant type: single nucleotide variant.
Coding change: c.7076G>T on transcript NM_212482.4 (MANE Select); coding-DNA position 7076, G replaced by T.
Protein change: p.Gly2359Val; replaces glycine 2359 with valine.
Molecular consequence: missense variant.
Genome position (GRCh38, 1-based): chr2:215,365,573, C>A on the plus strand (G>T on the coding strand, the complement: FN1 is on the minus strand). VCF-style: chr2-215365573-C-A. GRCh37 (hg19) VCF-style: chr2-216230296-C-A.
Other names: c.6983G>T, p.Gly2328Val (NM_001306129.2); c.6446G>T, p.Gly2149Val (NM_001306130.2); c.6440G>T, p.Gly2147Val (NM_001306131.2); c.6365G>T, p.Gly2122Val (NM_001306132.2); c.6806G>T, p.Gly2269Val (NM_001365517.2); c.6803G>T, p.Gly2268Val (NM_001365518.2); c.6731G>T, p.Gly2244Val (NM_001365519.2); c.6728G>T, p.Gly2243Val (NM_001365520.2); and 9 more; short protein forms G2212V, G2238V, G2359V, G2122V, G2153V, G2178V, G2243V, G2213V.
Identifiers: ClinVar variation 2095960 (VCV002095960.5), dbSNP rs746475547, ClinGen allele CA2093660.
Genomic context (GRCh38, chr2:215,365,573, plus strand): 5'-CACTTGAATTCTCCTTTTCCGTTCCCAAGACATGTGCAGCTCATCATCTGGCCATTTTCT[C>A]CCTGACGGTCCCACTTCTCTCCAATCTTGTAGTTCACACCATTGTCATGGCACCATCCTG-3'
Protein context (NP_997647.2, residues 2349-2369): YKIGEKWDRQ[Gly2359Val]ENGQMMSCTC

ClinVar aggregate classification (germline): Uncertain significance. Review status: criteria provided, multiple submitters, no conflicts (2 of 4 stars). 2 submissions from 2 submitters: Uncertain significance (2). Last evaluated 2025-04-11.

Conditions:
Inborn genetic diseases. Identifiers: MedGen C0950123, MeSH D030342.

Allele frequency attached by ClinVar (database versions not stated): ExAC 0.00001; gnomAD 0.00001; gnomAD exomes 0.00001; TOPMed 0.00001.
gnomAD v4.1: 4 of 1,613,942 alleles (0.00025%); highest among the groups gnomAD compares: Admixed American, 0.0067%; no homozygotes.

Submissions (2):

Ambry Genetics
Classification: Uncertain significance for Inborn genetic diseases. Last evaluated: 2025-04-11. Review status: criteria provided, single submitter. Criteria: Ambry Variant Classification Scheme 2023. Collection method: clinical testing. Allele origin: germline.

Labcorp Genetics (formerly Invitae), Labcorp
Classification: Uncertain significance. Last evaluated: 2024-02-24. Review status: criteria provided, single submitter. Criteria: Invitae Variant Classification Sherloc (09022015). Collection method: clinical testing. Allele origin: germline.
Comment: This sequence change replaces glycine, which is neutral and non-polar, with valine, which is neutral and non-polar, at codon 2359 of the FN1 protein (p.Gly2359Val). This variant is present in population databases (rs746475547, gnomAD 0.006%). This variant has not been reported in the literature in individuals affected with FN1-related conditions. ClinVar contains an entry for this variant (Variation ID: 2095960). An algorithm developed to predict the effect of missense changes on protein structure and function (PolyPhen-2) suggests that this variant is likely to be disruptive. In summary, the available evidence is currently insufficient to determine the role of this variant in disease. Therefore, it has been classified as a Variant of Uncertain Significance.